The following is an entry in ClinVar:

ClinVar aggregate classification (germline): Uncertain significance. Review status: criteria provided, multiple submitters, no conflicts (2 of 4 stars). 4 submissions from 4 submitters: Uncertain significance (4). Last evaluated 2024-06-30.

Conditions:
Cardiovascular phenotype. Identifiers: MedGen CN230736.

Allele frequency attached by ClinVar (database versions not stated): gnomAD exomes below 0.00001; TOPMed below 0.00001; ExAC 0.00001.
gnomAD v4.1: 6 of 1,614,056 alleles (0.00037%); highest among the groups gnomAD compares: Non-Finnish European, 0.00042%; no homozygotes.

Submissions (4):

Labcorp Genetics (formerly Invitae), Labcorp
Classification: Uncertain significance. Last evaluated: 2024-06-30. Review status: criteria provided, single submitter. Criteria: Invitae Variant Classification Sherloc (09022015). Collection method: clinical testing. Allele origin: germline.
Comment: This sequence change replaces phenylalanine, which is neutral and non-polar, with tyrosine, which is neutral and polar, at codon 81 of the APOA1 protein (p.Phe81Tyr). This variant is present in population databases (rs757011774, gnomAD 0.0009%). This variant has not been reported in the literature in individuals affected with APOA1-related conditions. ClinVar contains an entry for this variant (Variation ID: 1337838). Advanced modeling of protein sequence and biophysical properties (such as structural, functional, and spatial information, amino acid conservation, physicochemical variation, residue mobility, and thermodynamic stability) performed at Invitae indicates that this missense variant is not expected to disrupt APOA1 protein function with a negative predictive value of 80%. In summary, the available evidence is currently insufficient to determine the role of this variant in disease. Therefore, it has been classified as a Variant of Uncertain Significance.

GeneDx
Classification: Uncertain significance. Last evaluated: 2023-04-25. Review status: criteria provided, single submitter. Criteria: GeneDx Variant Classification Process June 2021. Collection method: clinical testing. Allele origin: germline. Affected: yes.
Comment: Has not been previously published as pathogenic or benign to our knowledge; Not observed at significant frequency in large population cohorts (gnomAD); In silico analysis supports that this missense variant does not alter protein structure/function

Ambry Genetics
Classification: Uncertain significance for Cardiovascular phenotype. Last evaluated: 2023-04-03. Review status: criteria provided, single submitter. Criteria: Ambry Variant Classification Scheme 2023. Collection method: clinical testing. Allele origin: germline.
Comment: The p.F81Y variant (also known as c.242T>A), located in coding exon 3 of the APOA1 gene, results from a T to A substitution at nucleotide position 242. The phenylalanine at codon 81 is replaced by tyrosine, an amino acid with highly similar properties. This amino acid position is conserved. In addition, this alteration is predicted to be tolerated by in silico analysis. Since supporting evidence is limited at this time, the clinical significance of this alteration remains unclear.

Genetic Services Laboratory, University of Chicago
Classification: Uncertain significance. Last evaluated: 2021-02-24. Review status: criteria provided, single submitter. Criteria: ACMG Guidelines, 2015. Collection method: clinical testing. Allele origin: germline. Affected: no.
Comment: DNA sequence analysis of the APOA1 gene demonstrated a sequence change, c.242T>A, in exon 4 that results in an amino acid change, p.Phe81Tyr. This sequence change has been described in gnomAD with a low population frequency of 0.00040% (dbSNP rs757011774). The p.Phe81Tyr change affects a poorly conserved amino acid residue located in a domain of the APOA1 protein that is known to be functional. The p.Phe81Tyr substitution appears to be benign using several in-silico pathogenicity prediction tools (SIFT, PolyPhen2, Align GVGD, REVEL). This sequence change does not appear to have been previously described in patients with APOA1-related disorders. Due to the lack of sufficient evidences, the clinical significance of the p.Phe81Tyr change remains unknown at this time.

NM_000039.3(APOA1):c.242T>A (p.Phe81Tyr)

Genes: APOA1 (apolipoprotein A1; minus strand), APOA1-AS (APOA1 antisense RNA; plus strand). Cytogenetic location: 11q23.3.
Variant type: single nucleotide variant.
Coding change: c.242T>A on transcript NM_000039.3 (MANE Select); coding-DNA position 242, T replaced by A.
Protein change: p.Phe81Tyr; replaces phenylalanine 81 with tyrosine.
Molecular consequence: missense variant.
Genome position (GRCh38, 1-based): chr11:116,836,370, A>T on the plus strand (T>A on the coding strand, the complement: APOA1 is on the minus strand). VCF-style: chr11-116836370-A-T. GRCh37 (hg19) VCF-style: chr11-116707086-A-T.
Other names: c.242T>A, p.Phe81Tyr (NM_001318017.2, NM_001318018.2); c.-86T>A (NM_001318021.2); short protein forms F81Y.
Identifiers: ClinVar variation 1337838 (VCV001337838.13), dbSNP rs757011774, ClinGen allele CA6289839.